The following is an entry in ClinVar:

ClinVar aggregate classification (germline): Likely benign. Review status: criteria provided, multiple submitters, no conflicts (2 of 4 stars). 2 submissions from 2 submitters: Likely benign (2). Last evaluated 2022-10-01.

Conditions:
COG7 congenital disorder of glycosylation (CDG2E). Also called: CONGENITAL DISORDER OF GLYCOSYLATION, TYPE IIe; CDG IIe. Identifiers: Orphanet 79333, MedGen C2931010, MONDO:0012118, OMIM 608779.

Submissions (2):

Labcorp Genetics (formerly Invitae), Labcorp
Classification: Likely benign for COG7 congenital disorder of glycosylation. Last evaluated: 2022-10-01. Review status: criteria provided, single submitter. Criteria: Invitae Variant Classification Sherloc (09022015). Collection method: clinical testing. Allele origin: germline.

GeneDx
Classification: Likely benign. Last evaluated: 2017-10-05. Review status: criteria provided, single submitter. Criteria: GeneDx Variant Classification (06012015). Collection method: clinical testing. Allele origin: germline. Affected: yes.
Comment: This variant is considered likely benign or benign based on one or more of the following criteria: it is a conservative change, it occurs at a poorly conserved position in the protein, it is predicted to be benign by multiple in silico algorithms, and/or has population frequency not consistent with disease.

NM_153603.4(COG7):c.1593A>G (p.Glu531=)

Gene: COG7 (component of oligomeric golgi complex 7; minus strand). Cytogenetic location: 16p12.2.
Variant type: single nucleotide variant.
Coding change: c.1593A>G on transcript NM_153603.4 (MANE Select); coding-DNA position 1593, A replaced by G.
Protein change: p.Glu531=; no amino-acid change (glutamic acid 531 retained).
Molecular consequence: synonymous variant.
Genome position (GRCh38, 1-based): chr16:23,406,145, T>C on the plus strand (A>G on the coding strand, the complement: COG7 is on the minus strand). VCF-style: chr16-23406145-T-C. GRCh37 (hg19) VCF-style: chr16-23417466-T-C.
Identifiers: ClinVar variation 512078 (VCV000512078.5), dbSNP rs1555493003, ClinGen allele CA494161882.